The following is an entry in ClinVar:

NM_031372.4(HNRNPDL):c.1142G>A (p.Gly381Glu)

Gene: HNRNPDL (heterogeneous nuclear ribonucleoprotein D like; minus strand). Cytogenetic location: 4q21.22.
Variant type: single nucleotide variant.
Coding change: c.1142G>A on transcript NM_031372.4 (MANE Select); coding-DNA position 1142, G replaced by A.
Protein change: p.Gly381Glu; replaces glycine 381 with glutamic acid.
Molecular consequence: missense variant. On other transcripts: non-coding transcript variant (1), intron variant (1).
Genome position (GRCh38, 1-based): chr4:82,426,513, C>T on the plus strand (G>A on the coding strand, the complement: HNRNPDL is on the minus strand). VCF-style: chr4-82426513-C-T. GRCh37 (hg19) VCF-style: chr4-83347666-C-T.
Other names: c.1022-384G>A (NM_001207000.1); short protein forms G381E.
Identifiers: ClinVar variation 3721467 (VCV003721467.2).

ClinVar aggregate classification (germline): Uncertain significance (1 of 4 stars; one submission).

Conditions:
Autosomal dominant limb-girdle muscular dystrophy type 1G (LGMDD3). Also called: Limb-girdle muscular dystrophy, type 1G; MUSCULAR DYSTROPHY, LIMB-GIRDLE, AUTOSOMAL DOMINANT 3. Identifiers: Orphanet 55596, MedGen C1836765, MONDO:0012193, OMIM 609115.

Submission:

Labcorp Genetics (formerly Invitae), Labcorp
Classification: Uncertain significance for Autosomal dominant limb-girdle muscular dystrophy type 1G. Last evaluated: 2024-09-24. Review status: criteria provided, single submitter. Criteria: Invitae Variant Classification Sherloc (09022015). Collection method: clinical testing. Allele origin: germline.
Comment: This sequence change replaces glycine, which is neutral and non-polar, with glutamic acid, which is acidic and polar, at codon 381 of the HNRNPDL protein (p.Gly381Glu). This variant is not present in population databases (gnomAD no frequency). This variant has not been reported in the literature in individuals affected with HNRNPDL-related conditions. An algorithm developed to predict the effect of missense changes on protein structure and function (PolyPhen-2) suggests that this variant is likely to be tolerated. In summary, the available evidence is currently insufficient to determine the role of this variant in disease. Therefore, it has been classified as a Variant of Uncertain Significance.